The following is an entry in ClinVar:

ClinVar aggregate classification (germline): Uncertain significance (1 of 4 stars; one submission).

Conditions:
Spastic paraplegia. Identifiers: MedGen C0037772, HP:0001258.

Submission:

Labcorp Genetics (formerly Invitae), Labcorp
Classification: Uncertain significance for Spastic paraplegia. Last evaluated: 2024-05-06. Review status: criteria provided, single submitter. Criteria: Invitae Variant Classification Sherloc (09022015). Collection method: clinical testing. Allele origin: germline.
Comment: This sequence change replaces aspartic acid, which is acidic and polar, with glutamic acid, which is acidic and polar, at codon 654 of the L1CAM protein (p.Asp654Glu). This variant is not present in population databases (gnomAD no frequency). This variant has not been reported in the literature in individuals affected with L1CAM-related conditions. Advanced modeling of protein sequence and biophysical properties (such as structural, functional, and spatial information, amino acid conservation, physicochemical variation, residue mobility, and thermodynamic stability) performed at Invitae indicates that this missense variant is not expected to disrupt L1CAM protein function with a negative predictive value of 95%. In summary, the available evidence is currently insufficient to determine the role of this variant in disease. Therefore, it has been classified as a Variant of Uncertain Significance.

NM_001278116.2(L1CAM):c.1962C>A (p.Asp654Glu)

Gene: L1CAM (L1 cell adhesion molecule; minus strand). Cytogenetic location: Xq28.
Variant type: single nucleotide variant.
Coding change: c.1962C>A on transcript NM_001278116.2 (MANE Select); coding-DNA position 1962, C replaced by A.
Protein change: p.Asp654Glu; replaces aspartic acid 654 with glutamic acid.
Molecular consequence: missense variant.
Genome position (GRCh38, 1-based): chrX:153,867,531, G>T on the plus strand (C>A on the coding strand, the complement: L1CAM is on the minus strand). VCF-style: chrX-153867531-G-T. GRCh37 (hg19) VCF-style: chrX-153132986-G-T.
Other names: c.1962C>A, p.Asp654Glu (NM_000425.5, NM_024003.3); c.1947C>A, p.Asp649Glu (NM_001143963.2); short protein forms D654E, D649E.
Identifiers: ClinVar variation 3709030 (VCV003709030.2).